The following is an entry in ClinVar:

NM_014915.3(ANKRD26):c.1756A>C (p.Lys586Gln)

Gene: ANKRD26 (ankyrin repeat domain containing 26; minus strand). Cytogenetic location: 10p12.1.
Variant type: single nucleotide variant.
Coding change: c.1756A>C on transcript NM_014915.3 (MANE Select); coding-DNA position 1756, A replaced by C.
Protein change: p.Lys586Gln; replaces lysine 586 with glutamine.
Molecular consequence: missense variant.
Genome position (GRCh38, 1-based): chr10:27,048,859, T>G on the plus strand (A>C on the coding strand, the complement: ANKRD26 is on the minus strand). VCF-style: chr10-27048859-T-G. GRCh37 (hg19) VCF-style: chr10-27337788-T-G.
Other names: c.1756A>C, p.Lys586Gln (NM_001256053.2); short protein forms K586Q.
Identifiers: ClinVar variation 3914422 (VCV003914422.1).

ClinVar aggregate classification (germline): Uncertain significance (1 of 4 stars; one submission).

Conditions:
Inborn genetic diseases. Identifiers: MedGen C0950123, MeSH D030342.

Submission:

Ambry Genetics
Classification: Uncertain significance for Inborn genetic diseases. Last evaluated: 2025-05-15. Review status: criteria provided, single submitter. Criteria: Ambry Variant Classification Scheme 2023. Collection method: clinical testing. Allele origin: germline.
Comment: The p.K586Q variant (also known as c.1756A>C), located in coding exon 17 of the ANKRD26 gene, results from an A to C substitution at nucleotide position 1756. The lysine at codon 586 is replaced by glutamine, an amino acid with similar properties. This amino acid position is conserved. In addition, this alteration is predicted to be tolerated by in silico analysis. Based on the available evidence, the clinical significance of this variant remains unclear.